The following is an entry in ClinVar:

NM_004621.6(TRPC6):c.364C>T (p.His122Tyr)

Gene: TRPC6 (transient receptor potential cation channel subfamily C member 6; minus strand). Cytogenetic location: 11q22.1.
Variant type: single nucleotide variant.
Coding change: c.364C>T on transcript NM_004621.6 (MANE Select); coding-DNA position 364, C replaced by T.
Protein change: p.His122Tyr; replaces histidine 122 with tyrosine.
Molecular consequence: missense variant.
Genome position (GRCh38, 1-based): chr11:101,504,605, G>A on the plus strand (C>T on the coding strand, the complement: TRPC6 is on the minus strand). VCF-style: chr11-101504605-G-A. GRCh37 (hg19) VCF-style: chr11-101375336-G-A.
Other names: short protein forms H122Y.
Identifiers: ClinVar variation 829948 (VCV000829948.8), dbSNP rs774329493, ClinGen allele CA6244535.

ClinVar aggregate classification (germline): Uncertain significance. Review status: criteria provided, multiple submitters, no conflicts (2 of 4 stars). 3 submissions from 3 submitters: Uncertain significance (2). 1 of the submissions does not count toward it. Last evaluated 2025-09-22.

Conditions:
Focal segmental glomerulosclerosis 2 (FSGS2). Identifiers: Orphanet 656, MedGen C1858915, MONDO:0011390, OMIM 603965.
Inborn genetic diseases. Identifiers: MedGen C0950123, MeSH D030342.

Allele frequency attached by ClinVar (database versions not stated): ExAC 0.00001; gnomAD 0.00001; gnomAD exomes 0.00001; TOPMed 0.00002.
gnomAD v4.1: 16 of 1,613,732 alleles (0.00099%); highest among the groups gnomAD compares: Non-Finnish European, 0.0012%; no homozygotes.

Submissions (3):

Ambry Genetics
Classification: Uncertain significance for Inborn genetic diseases. Last evaluated: 2025-09-22. Review status: criteria provided, single submitter. Criteria: Ambry Variant Classification Scheme 2023. Collection method: clinical testing. Allele origin: germline.

Labcorp Genetics (formerly Invitae), Labcorp
Classification: Uncertain significance. Last evaluated: 2025-07-10. Review status: criteria provided, single submitter. Criteria: Invitae Variant Classification Sherloc (09022015). Collection method: clinical testing. Allele origin: germline.
Comment: This sequence change replaces histidine, which is basic and polar, with tyrosine, which is neutral and polar, at codon 122 of the TRPC6 protein (p.His122Tyr). This variant is present in population databases (rs774329493, gnomAD 0.002%). This variant has not been reported in the literature in individuals affected with TRPC6-related conditions. ClinVar contains an entry for this variant (Variation ID: 829948). Invitae Evidence Modeling of protein sequence and biophysical properties (such as structural, functional, and spatial information, amino acid conservation, physicochemical variation, residue mobility, and thermodynamic stability) indicates that this missense variant is not expected to disrupt TRPC6 protein function with a negative predictive value of 95%. In summary, the available evidence is currently insufficient to determine the role of this variant in disease. Therefore, it has been classified as a Variant of Uncertain Significance.

Bioscientia Institut fuer Medizinische Diagnostik GmbH, Sonic Healthcare
Classification: Uncertain significance for Focal segmental glomerulosclerosis 2. Last evaluated: 2019-04-25. Review status: no assertion criteria provided. Collection method: clinical testing. Allele origin: germline. Affected: yes. Not counted in ClinVar's aggregate classification.